The following is an entry in ClinVar:

NM_017866.6(TMEM70):c.260A>G (p.Asp87Gly)

Gene: TMEM70 (transmembrane protein 70; plus strand). Cytogenetic location: 8q21.11.
Variant type: single nucleotide variant.
Coding change: c.260A>G on transcript NM_017866.6 (MANE Select); coding-DNA position 260, A replaced by G.
Protein change: p.Asp87Gly; replaces aspartic acid 87 with glycine.
Molecular consequence: missense variant. On other transcripts: non-coding transcript variant (1).
Genome position (GRCh38, 1-based): chr8:73,978,805, A>G. VCF-style: chr8-73978805-A-G. GRCh37 (hg19) VCF-style: chr8-74891040-A-G.
Other names: c.260A>G, p.Asp87Gly (NM_001040613.3); short protein forms D87G.
Identifiers: ClinVar variation 945999 (VCV000945999.1), dbSNP rs1815716476, ClinGen allele CA371489589.

ClinVar aggregate classification (germline): Uncertain significance (1 of 4 stars; one submission).

Conditions:
Mitochondrial complex V (ATP synthase) deficiency, nuclear type 2. Also called: Nuclear-Encoded ATPase Deficiency, TMEM70-Related; ENCEPHALOCARDIOMYOPATHY, MITOCHONDRIAL, NEONATAL, DUE TO ATP SYNTHASE DEFICIENCY; MITOCHONDRIAL COMPLEX V (ATP SYNTHASE) DEFICIENCY, TMEM70 TYPE. Identifiers: Orphanet 1194, MedGen C3279699, MONDO:0013546, OMIM 614052.

Submission:

Labcorp Genetics (formerly Invitae), Labcorp
Classification: Uncertain significance for Nuclearly-encoded mitochondrial complex V (ATP synthase) deficiency 2. Last evaluated: 2019-05-09. Review status: criteria provided, single submitter. Criteria: Invitae Variant Classification Sherloc (09022015). Collection method: clinical testing. Allele origin: germline.
Comment: This sequence change replaces aspartic acid with glycine at codon 87 of the TMEM70 protein (p.Asp87Gly). The aspartic acid residue is weakly conserved and there is a moderate physicochemical difference between aspartic acid and glycine. This variant is not present in population databases (ExAC no frequency). This variant has not been reported in the literature in individuals with TMEM70-related conditions. Algorithms developed to predict the effect of missense changes on protein structure and function output the following: SIFT: "Tolerated"; PolyPhen-2: "Benign"; Align-GVGD: "Class C0". The glycine amino acid residue is found in multiple mammalian species, suggesting that this missense change does not adversely affect protein function. These predictions have not been confirmed by published functional studies and their clinical significance is uncertain. In summary, the available evidence is currently insufficient to determine the role of this variant in disease. Therefore, it has been classified as a Variant of Uncertain Significance.